The following is an entry in ClinVar:

ClinVar aggregate classification (germline): Uncertain significance (1 of 4 stars; one submission).

Conditions:
Congenital disorder of glycosylation, type Ii. Also called: CDG Ii; ALG2-congenital disorder of glycosylation; ALG2-CDG. Identifiers: Orphanet 79326, MedGen C1842836, MONDO:0011933, OMIM 607906.
Congenital myasthenic syndrome 14. Also called: Myasthenic syndrome, congenital, 14, with tubular aggregates. Identifiers: Orphanet 353327, Orphanet 590, MedGen C4015597, MONDO:0014543, OMIM 616228.

Allele frequency attached by ClinVar (database versions not stated): gnomAD exomes 0.00001.

Submission:

Labcorp Genetics (formerly Invitae), Labcorp
Classification: Uncertain significance for Congenital disorder of glycosylation, type Ii; Congenital myasthenic syndrome 14. Last evaluated: 2019-07-04. Review status: criteria provided, single submitter. Criteria: Invitae Variant Classification Sherloc (09022015). Collection method: clinical testing. Allele origin: germline.
Comment: This sequence change replaces tyrosine with serine at codon 91 of the ALG2 protein (p.Tyr91Ser). The tyrosine residue is highly conserved and there is a large physicochemical difference between tyrosine and serine. While this variant is not present in population databases, the frequency information is unreliable, as metrics indicate poor data quality at this position in the ExAC database. This variant has not been reported in the literature in individuals with ALG2-related disease. Algorithms developed to predict the effect of missense changes on protein structure and function are either unavailable or do not agree on the potential impact of this missense change (SIFT: "Tolerated"; PolyPhen-2: "Probably Damaging"; Align-GVGD: "Class C0"). In summary, the available evidence is currently insufficient to determine the role of this variant in disease. Therefore, it has been classified as a Variant of Uncertain Significance.

NM_033087.4(ALG2):c.272A>C (p.Tyr91Ser)

Gene: ALG2 (ALG2 alpha-1,3/1,6-mannosyltransferase; minus strand). Cytogenetic location: 9q22.33.
Variant type: single nucleotide variant.
Coding change: c.272A>C on transcript NM_033087.4 (MANE Select); coding-DNA position 272, A replaced by C.
Protein change: p.Tyr91Ser; replaces tyrosine 91 with serine.
Molecular consequence: missense variant. On other transcripts: non-coding transcript variant (1).
Genome position (GRCh38, 1-based): chr9:99,221,623, T>G on the plus strand (A>C on the coding strand, the complement: ALG2 is on the minus strand). VCF-style: chr9-99221623-T-G. GRCh37 (hg19) VCF-style: chr9-101983905-T-G.
Other names: short protein forms Y91S.
Identifiers: ClinVar variation 648575 (VCV000648575.10), dbSNP rs910168958, ClinGen allele CA374231511.